The following is an entry in ClinVar:

NM_006277.3(ITSN2):c.4008G>A (p.Pro1336=)

Gene: ITSN2 (intersectin 2; minus strand). Cytogenetic location: 2p23.3.
Variant type: single nucleotide variant.
Coding change: c.4008G>A on transcript NM_006277.3 (MANE Select); coding-DNA position 4008, G replaced by A.
Protein change: p.Pro1336=; no amino-acid change (proline 1336 retained).
Molecular consequence: synonymous variant.
Genome position (GRCh38, 1-based): chr2:24,212,731, C>T on the plus strand (G>A on the coding strand, the complement: ITSN2 is on the minus strand). VCF-style: chr2-24212731-C-T. GRCh37 (hg19) VCF-style: chr2-24435600-C-T.
Other names: c.3966G>A, p.Pro1322= (NM_001348181.2); c.3888G>A, p.Pro1296= (NM_001348182.2); c.3927G>A, p.Pro1309= (NM_019595.4).
Identifiers: ClinVar variation 4982711 (VCV004982711.1).
Genomic context (GRCh38, chr2:24,212,731, plus strand): 5'-GCGGGTGATCCTCTGCATGGGTTTCAGCAGGAAGCTGGAGAGGGGCATTCCTTTACACCG[C>T]GGGTCAGATGCCAGCTTCTGCAAAACAACAGTGAGGCTCGTGAGGAAATCACAGCTCCGA-3'
Protein context (NP_006268.2, residues 1326-1346): KEFLKKLASD[Pro1336=]RCKGMPLSSF

ClinVar aggregate classification (germline): Likely benign (1 of 4 stars; one submission).

Conditions:
ITSN2-related disorder. Also called: ITSN2-related condition.

gnomAD v4.1: 294 of 1,614,096 alleles (0.018%); highest among the groups gnomAD compares: African/African-American, 0.26%; no homozygotes.

Submission:

PreventionGenetics, part of Exact Sciences
Classification: Likely benign for ITSN2-related condition. Last evaluated: 2026-03-03. Review status: criteria provided, single submitter. Criteria: ACMG Guidelines, 2015. Collection method: clinical testing. Allele origin: germline.
Comment: This variant is classified as likely benign based on ACMG/AMP sequence variant interpretation guidelines (Richards et al. 2015 PMID: 25741868, with internal and published modifications).